The following is an entry in ClinVar:

ClinVar aggregate classification (germline): Likely benign. Review status: criteria provided, multiple submitters, no conflicts (2 of 4 stars). 2 submissions from 2 submitters: Likely benign (2). Last evaluated 2022-08-16.

Conditions:
Early-infantile DEE. Also called: Ohtahara syndrome; Early infantile epileptic encephalopathy; Early infantile epileptic encephalopathy with suppression bursts. Identifiers: Orphanet 1934, MedGen C0393706, MONDO:0800491.

Allele frequency attached by ClinVar (database versions not stated): gnomAD 0.00001 and 0.00003; gnomAD exomes 0.00001 and 0.00003; TOPMed 0.00001; ExAC 0.00003.
gnomAD v4.1: 43 of 1,613,466 alleles (0.0027%); highest among the groups gnomAD compares: East Asian, 0.096%; no homozygotes.

Submissions (2):

Labcorp Genetics (formerly Invitae), Labcorp
Classification: Likely benign for Early-infantile DEE. Last evaluated: 2022-08-16. Review status: criteria provided, single submitter. Criteria: Invitae Variant Classification Sherloc (09022015). Collection method: clinical testing. Allele origin: germline.

GeneDx
Classification: Likely benign. Last evaluated: 2017-03-06. Review status: criteria provided, single submitter. Criteria: GeneDx Variant Classification (06012015). Collection method: clinical testing. Allele origin: germline. Affected: yes.
Comment: This variant is considered likely benign or benign based on one or more of the following criteria: it is a conservative change, it occurs at a poorly conserved position in the protein, it is predicted to be benign by multiple in silico algorithms, and/or has population frequency not consistent with disease.

NM_001130438.3(SPTAN1):c.6959+15T>C

Gene: SPTAN1 (spectrin alpha, non-erythrocytic 1; plus strand). Cytogenetic location: 9q34.11.
Variant type: single nucleotide variant.
Coding change: c.6959+15T>C on transcript NM_001130438.3 (MANE Select); 15 bases into the intron after coding-DNA position 6959, T replaced by C.
Molecular consequence: intron variant.
Genome position (GRCh38, 1-based): chr9:128,632,338, T>C. VCF-style: chr9-128632338-T-C. GRCh37 (hg19) VCF-style: chr9-131394617-T-C.
Other names: c.7022+15T>C (NM_001363759.2); c.6944+15T>C (NM_003127.4); c.6899+15T>C (NM_001363765.2); c.6884+15T>C (NM_001195532.2).
Identifiers: ClinVar variation 507790 (VCV000507790.5), dbSNP rs776795375, ClinGen allele CA5265934.